The following is an entry in ClinVar:

NM_033380.3(COL4A5):c.891+1G>A

Gene: COL4A5 (collagen type IV alpha 5 chain; plus strand). Cytogenetic location: Xq22.3.
Variant type: single nucleotide variant.
Coding change: c.891+1G>A on transcript NM_033380.3 (MANE Select); the canonical splice donor site of the intron after coding-DNA position 891, G replaced by A.
Molecular consequence: splice donor variant.
Genome position (GRCh38, 1-based): chrX:108,580,739, G>A. VCF-style: chrX-108580739-G-A. GRCh37 (hg19) VCF-style: chrX-107823969-G-A.
Other names: c.891+1G>A (NM_000495.5).
Identifiers: ClinVar variation 2138687 (VCV002138687.4), dbSNP rs104886451, ClinGen allele CA258348.

ClinVar aggregate classification (germline): Pathogenic (1 of 4 stars; one submission).

Submission:

Labcorp Genetics (formerly Invitae), Labcorp
Classification: Pathogenic. Last evaluated: 2022-10-28. Review status: criteria provided, single submitter. Criteria: Invitae Variant Classification Sherloc (09022015). Collection method: clinical testing. Allele origin: germline.
Comment: For these reasons, this variant has been classified as Pathogenic. Algorithms developed to predict the effect of sequence changes on RNA splicing suggest that this variant may disrupt the consensus splice site. This variant is also known as c.1093+1G>A. Disruption of this splice site has been observed in individuals with clinical features of Alport syndrome (PMID: 8940267; Invitae). This variant is not present in population databases (gnomAD no frequency). This sequence change affects a donor splice site in intron 15 of the COL4A5 gene. It is expected to disrupt RNA splicing. Variants that disrupt the donor or acceptor splice site typically lead to a loss of protein function (PMID: 16199547), and loss-of-function variants in COL4A5 are known to be pathogenic (PMID: 9195222, 10752524, 14514738, 24854265, 26809805).

Literature cited by the submitters: PubMed 8940267; PubMed 16199547; PubMed 9195222; PubMed 10752524; PubMed 14514738; PubMed 24854265; PubMed 26809805.